The following is an entry in ClinVar:

ClinVar aggregate classification (germline): Likely benign (0 of 4 stars; one submission).

Conditions:
NECTIN1-related disorder. Also called: NECTIN1-related condition.

Allele frequency attached by ClinVar (database versions not stated): ESP Exome Variant Server 0.00069; 1000 Genomes Project 30x 0.00031; 1000 Genomes Project 0.00040; gnomAD 0.00072; ExAC 0.00013; TOPMed 0.00087.
gnomAD v4.1: 204 of 1,613,698 alleles (0.013%); highest among the groups gnomAD compares: African/African-American, 0.21%; 1 homozygote.

Submission:

PreventionGenetics, part of Exact Sciences
Classification: Likely benign for NECTIN1-related condition. Last evaluated: 2022-05-06. Review status: no assertion criteria provided. Collection method: clinical testing. Allele origin: germline.
Comment: This variant is classified as likely benign based on ACMG/AMP sequence variant interpretation guidelines (Richards et al. 2015 PMID: 25741868, with internal and published modifications).

NM_203285.2(NECTIN1):c.1227G>A (p.Gln409=)

Gene: NECTIN1 (nectin cell adhesion molecule 1; minus strand). Cytogenetic location: 11q23.3.
Variant type: single nucleotide variant.
Coding change: c.1227G>A on transcript NM_203285.2; coding-DNA position 1227, G replaced by A.
Protein change: p.Gln409=; no amino-acid change (glutamine 409 retained).
Molecular consequence: synonymous variant.
Genome position (GRCh38, 1-based): chr11:119,638,731, C>T on the plus strand (G>A on the coding strand, the complement: NECTIN1 is on the minus strand). VCF-style: chr11-119638731-C-T. GRCh37 (hg19) VCF-style: chr11-119509441-C-T.
Identifiers: ClinVar variation 3047032 (VCV003047032.2), dbSNP rs148089030, ClinGen allele CA6321671.